The following is an entry in ClinVar:

NM_052947.4(ALPK2):c.170T>A (p.Ile57Asn)

Gene: ALPK2 (alpha kinase 2; minus strand). Cytogenetic location: 18q21.32.
Variant type: single nucleotide variant.
Coding change: c.170T>A on transcript NM_052947.4 (MANE Select); coding-DNA position 170, T replaced by A.
Protein change: p.Ile57Asn; replaces isoleucine 57 with asparagine.
Molecular consequence: missense variant.
Genome position (GRCh38, 1-based): chr18:58,607,379, A>T on the plus strand (T>A on the coding strand, the complement: ALPK2 is on the minus strand). VCF-style: chr18-58607379-A-T. GRCh37 (hg19) VCF-style: chr18-56274611-A-T.
Other names: short protein forms I57N.
Identifiers: ClinVar variation 3531022 (VCV003531022.1).
Genomic context (GRCh38, chr18:58,607,379, plus strand): 5'-TACCAAGAGAGATGTAACACATGAATATACTGATTCTCAAAGAATTCATAGTTGGAAATA[A>T]TGCCACTCCCATCGATGGCCTGACCATTCTTATACCAAGTTACCTCTGGCTTGGGCTGAC-3'
Protein context (NP_443179.3, residues 47-67): KNGQAIDGSG[Ile57Asn]ISNYEFFENQ

ClinVar aggregate classification (germline): Uncertain significance (1 of 4 stars; one submission).

Submission:

Ambry Genetics
Classification: Uncertain significance. Last evaluated: 2024-08-04. Review status: criteria provided, single submitter. Criteria: Ambry Variant Classification Scheme 2023. Collection method: clinical testing. Allele origin: germline.
Comment: The p.I57N variant (also known as c.170T>A), located in coding exon 2 of the ALPK2 gene, results from a T to A substitution at nucleotide position 170. The isoleucine at codon 57 is replaced by asparagine, an amino acid with dissimilar properties. This amino acid position is conserved. In addition, this alteration is predicted to be tolerated by in silico analysis. Based on the available evidence, the clinical significance of this variant remains unclear.